The following is an entry in ClinVar:

ClinVar aggregate classification (germline): Likely benign. Review status: criteria provided, multiple submitters, no conflicts (2 of 4 stars). 2 submissions from 2 submitters: Likely benign (2). Last evaluated 2026-01-01.

gnomAD v4.1: 48 of 1,614,108 alleles (0.003%); highest among the groups gnomAD compares: African/African-American, 0.015%; no homozygotes.

Submissions (2):

CeGaT Center for Human Genetics Tuebingen
Classification: Likely benign. Last evaluated: 2026-01-01. Review status: criteria provided, single submitter. Criteria: CeGaT Center For Human Genetics Tuebingen Variant Classification Criteria Version 2. Collection method: clinical testing. Allele origin: germline. Affected: yes. Observed: 1 variant allele.
Comment: LAMB1: BP4, BP7

Labcorp Genetics (formerly Invitae), Labcorp
Classification: Likely benign. Last evaluated: 2024-07-12. Review status: criteria provided, single submitter. Criteria: Invitae Variant Classification Sherloc (09022015). Collection method: clinical testing. Allele origin: germline.

NM_002291.3(LAMB1):c.2097G>A (p.Thr699=)

Gene: LAMB1 (laminin subunit beta 1; minus strand). Cytogenetic location: 7q31.1.
Variant type: single nucleotide variant.
Coding change: c.2097G>A on transcript NM_002291.3 (MANE Select); coding-DNA position 2097, G replaced by A.
Protein change: p.Thr699=; no amino-acid change (threonine 699 retained).
Molecular consequence: synonymous variant.
Genome position (GRCh38, 1-based): chr7:107,961,218, C>T on the plus strand (G>A on the coding strand, the complement: LAMB1 is on the minus strand). VCF-style: chr7-107961218-C-T. GRCh37 (hg19) VCF-style: chr7-107601663-C-T.
Identifiers: ClinVar variation 3664969 (VCV003664969.6).
Genomic context (GRCh38, chr7:107,961,218, plus strand): 5'-TTTCCGCCCAGGCTTTCCTGCATATGCCAGAAGCAATCTCGCACTTACAGAATCGATCAG[C>T]GTGTAGGGGCTCTCCACGTCGCTATCAGAGGAGGTGTACTGAGGCAGCTCCAACCTCACC-3'
Protein context (NP_002282.2, residues 689-709): SSDSDVESPY[Thr699=]LIDSLVLMPY